The following is an entry in ClinVar:

NM_004385.5(VCAN):c.7450A>G (p.Thr2484Ala)

Genes: VCAN (versican; plus strand), VCAN-AS1 (VCAN antisense RNA 1; minus strand). Cytogenetic location: 5q14.3.
Variant type: single nucleotide variant.
Coding change: c.7450A>G on transcript NM_004385.5 (MANE Select); coding-DNA position 7450, A replaced by G.
Protein change: p.Thr2484Ala; replaces threonine 2484 with alanine.
Molecular consequence: missense variant. On other transcripts: intron variant (2).
Genome position (GRCh38, 1-based): chr5:83,540,453, A>G. VCF-style: chr5-83540453-A-G. GRCh37 (hg19) VCF-style: chr5-82836272-A-G.
Other names: c.4489A>G, p.Thr1497Ala (NM_001164097.2); c.4004-5084A>G (NM_001164098.2); c.1043-5084A>G (NM_001126336.3); short protein forms T2484A, T1497A.
Identifiers: ClinVar variation 2875696 (VCV002875696.3), dbSNP rs1746926867, ClinGen allele CA360314764.
Genomic context (GRCh38, chr5:83,540,453, plus strand): 5'-TCCCTGGAAAAACATCCTGAGGTGCCAAGCGCTAAAGCTGTTACTGCTGATGGATTCCCA[A>G]CAGTTTCAGTGATGCTGCCTCTTCATTCAGAGCAGAACAAAAGCTCCCCTGATCCAACTA-3'
Protein context (NP_004376.2, residues 2474-2494): AKAVTADGFP[Thr2484Ala]VSVMLPLHSE

ClinVar aggregate classification (germline): Uncertain significance (1 of 4 stars; one submission).

Allele frequency attached by ClinVar (database versions not stated): gnomAD 0.00001.
gnomAD v4.1: 5 of 1,613,876 alleles (0.00031%); highest among the groups gnomAD compares: Non-Finnish European, 0.00042%; no homozygotes.

Submission:

Labcorp Genetics (formerly Invitae), Labcorp
Classification: Uncertain significance. Last evaluated: 2023-11-19. Review status: criteria provided, single submitter. Criteria: Invitae Variant Classification Sherloc (09022015). Collection method: clinical testing. Allele origin: germline.
Comment: This sequence change replaces threonine, which is neutral and polar, with alanine, which is neutral and non-polar, at codon 2484 of the VCAN protein (p.Thr2484Ala). This variant is not present in population databases (gnomAD no frequency). This variant has not been reported in the literature in individuals affected with VCAN-related conditions. Algorithms developed to predict the effect of missense changes on protein structure and function output the following: SIFT: "Not Available"; PolyPhen-2: "Benign"; Align-GVGD: "Not Available". The alanine amino acid residue is found in multiple mammalian species, which suggests that this missense change does not adversely affect protein function. In summary, the available evidence is currently insufficient to determine the role of this variant in disease. Therefore, it has been classified as a Variant of Uncertain Significance.